The following is an entry in ClinVar:

ClinVar aggregate classification (germline): Uncertain significance (1 of 4 stars; one submission).

Allele frequency attached by ClinVar (database versions not stated): gnomAD 0.00001; gnomAD exomes 0.00001 and 0.00002; TOPMed 0.00002; ExAC 0.00004.
gnomAD v4.1: 19 of 1,614,006 alleles (0.0012%); highest among the groups gnomAD compares: East Asian, 0.031%; no homozygotes.

Submission:

Labcorp Genetics (formerly Invitae), Labcorp
Classification: Uncertain significance. Last evaluated: 2025-06-04. Review status: criteria provided, single submitter. Criteria: Invitae Variant Classification Sherloc (09022015). Collection method: clinical testing. Allele origin: germline.
Comment: This sequence change replaces isoleucine, which is neutral and non-polar, with threonine, which is neutral and polar, at codon 2333 of the VCAN protein (p.Ile2333Thr). This variant is present in population databases (rs748050782, gnomAD 0.03%). This variant has not been reported in the literature in individuals affected with VCAN-related conditions. ClinVar contains an entry for this variant (Variation ID: 1376518). An algorithm developed to predict the effect of missense changes on protein structure and function outputs the following: PolyPhen-2: "Benign". The threonine amino acid residue is found in multiple mammalian species, which suggests that this missense change does not adversely affect protein function. In summary, the available evidence is currently insufficient to determine the role of this variant in disease. Therefore, it has been classified as a Variant of Uncertain Significance.

NM_004385.5(VCAN):c.6998T>C (p.Ile2333Thr)

Genes: VCAN (versican; plus strand), VCAN-AS1 (VCAN antisense RNA 1; minus strand). Cytogenetic location: 5q14.3.
Variant type: single nucleotide variant.
Coding change: c.6998T>C on transcript NM_004385.5 (MANE Select); coding-DNA position 6998, T replaced by C.
Protein change: p.Ile2333Thr; replaces isoleucine 2333 with threonine.
Molecular consequence: missense variant. On other transcripts: intron variant (2).
Genome position (GRCh38, 1-based): chr5:83,540,001, T>C. VCF-style: chr5-83540001-T-C. GRCh37 (hg19) VCF-style: chr5-82835820-T-C.
Other names: c.4037T>C, p.Ile1346Thr (NM_001164097.2); c.4004-5536T>C (NM_001164098.2); c.1043-5536T>C (NM_001126336.3); short protein forms I2333T, I1346T.
Identifiers: ClinVar variation 1376518 (VCV001376518.6), dbSNP rs748050782, ClinGen allele CA3333559.